The following is an entry in ClinVar:

ClinVar aggregate classification (germline): Uncertain significance. Review status: criteria provided, multiple submitters, no conflicts (2 of 4 stars). 2 submissions from 2 submitters: Uncertain significance (2). Last evaluated 2024-12-20.

Conditions:
MYO5B-related disorder. Also called: MYO5B-related condition.
Congenital microvillous atrophy (DIAR2). Also called: Diarrhea 2 with microvillus atrophy, with or without cholestasis; Microvillus inclusion disease; CONGENITAL FAMILIAL PROTRACTED DIARRHEA WITH ENTEROCYTE BRUSH-BORDER ABNORMALITIES; DAVIDSON DISEASE; MICROVILLUS ATROPHY, CONGENITAL. Identifiers: Orphanet 2290, MedGen C0341306, MONDO:0009635, OMIM 251850.

Allele frequency attached by ClinVar (database versions not stated): gnomAD exomes below 0.00001; TOPMed below 0.00001; ExAC 0.00001.
gnomAD v4.1: 8 of 1,614,130 alleles (0.0005%); highest among the groups gnomAD compares: Non-Finnish European, 0.00068%; no homozygotes.

Submissions (2):

PreventionGenetics, part of Exact Sciences
Classification: Uncertain significance for MYO5B-related condition. Last evaluated: 2024-12-20. Review status: criteria provided, single submitter. Criteria: ACMG Guidelines, 2015. Collection method: clinical testing. Allele origin: germline.
Comment: The MYO5B c.2366G>A variant is predicted to result in the amino acid substitution p.Gly789Glu. To our knowledge, this variant has not been reported in the literature. This variant is reported in 0.00088% of alleles in individuals of European (Non-Finnish) descent in gnomAD. At this time, the clinical significance of this variant is uncertain due to the absence of conclusive functional and genetic evidence.

Illumina Laboratory Services, Illumina
Classification: Uncertain significance for Congenital microvillous atrophy. Last evaluated: 2018-01-13. Review status: criteria provided, single submitter. Criteria: ICSL Variant Classification Criteria 13 December 2019. Collection method: clinical testing. Allele origin: germline.

NM_001080467.3(MYO5B):c.2366G>A (p.Gly789Glu)

Gene: MYO5B (myosin VB; minus strand). Cytogenetic location: 18q21.1.
Variant type: single nucleotide variant.
Coding change: c.2366G>A on transcript NM_001080467.3 (MANE Select); coding-DNA position 2366, G replaced by A.
Protein change: p.Gly789Glu; replaces glycine 789 with glutamic acid.
Molecular consequence: missense variant.
Genome position (GRCh38, 1-based): chr18:49,906,467, C>T on the plus strand (G>A on the coding strand, the complement: MYO5B is on the minus strand). VCF-style: chr18-49906467-C-T. GRCh37 (hg19) VCF-style: chr18-47432837-C-T.
Other names: short protein forms G789E.
Identifiers: ClinVar variation 889797 (VCV000889797.5), dbSNP rs756579504, ClinGen allele CA8961117.